The following is an entry in ClinVar:

ClinVar aggregate classification (germline): Uncertain significance (1 of 4 stars; one submission).

Submission:

Labcorp Genetics (formerly Invitae), Labcorp
Classification: Uncertain significance. Last evaluated: 2023-02-06. Review status: criteria provided, single submitter. Criteria: Invitae Variant Classification Sherloc (09022015). Collection method: clinical testing. Allele origin: germline.
Comment: In summary, the available evidence is currently insufficient to determine the role of this variant in disease. Therefore, it has been classified as a Variant of Uncertain Significance. Advanced modeling of protein sequence and biophysical properties (such as structural, functional, and spatial information, amino acid conservation, physicochemical variation, residue mobility, and thermodynamic stability) performed at Invitae indicates that this missense variant is expected to disrupt KCNJ11 protein function. This variant has not been reported in the literature in individuals affected with KCNJ11-related conditions. This variant is not present in population databases (gnomAD no frequency). This sequence change replaces arginine, which is basic and polar, with proline, which is neutral and non-polar, at codon 221 of the KCNJ11 protein (p.Arg221Pro).

NM_000525.4(KCNJ11):c.662G>C (p.Arg221Pro)

Gene: KCNJ11 (potassium inwardly rectifying channel subfamily J member 11; minus strand). Cytogenetic location: 11p15.1.
Variant type: single nucleotide variant.
Coding change: c.662G>C on transcript NM_000525.4 (MANE Select); coding-DNA position 662, G replaced by C.
Protein change: p.Arg221Pro; replaces arginine 221 with proline.
Molecular consequence: missense variant.
Genome position (GRCh38, 1-based): chr11:17,387,430, C>G on the plus strand (G>C on the coding strand, the complement: KCNJ11 is on the minus strand). VCF-style: chr11-17387430-C-G. GRCh37 (hg19) VCF-style: chr11-17408977-C-G.
Other names: c.401G>C, p.Arg134Pro (NM_001166290.2, NM_001377296.1, NM_001377297.1); short protein forms R134P, R221P.
Identifiers: ClinVar variation 2835057 (VCV002835057.3), dbSNP rs768909861, ClinGen allele CA379771653.